The following is an entry in ClinVar:

NM_000051.4(ATM):c.6043C>G (p.Pro2015Ala)

Genes: ATM (ATM serine/threonine kinase; plus strand), C11orf65 (chromosome 11 open reading frame 65; minus strand). Cytogenetic location: 11q22.3.
Variant type: single nucleotide variant.
Coding change: c.6043C>G on transcript NM_000051.4 (MANE Select); coding-DNA position 6043, C replaced by G.
Protein change: p.Pro2015Ala; replaces proline 2015 with alanine.
Molecular consequence: missense variant. On other transcripts: intron variant (2).
Genome position (GRCh38, 1-based): chr11:108,315,859, C>G. VCF-style: chr11-108315859-C-G. GRCh37 (hg19) VCF-style: chr11-108186586-C-G.
Other names: c.6043C>G, p.Pro2015Ala (NM_001351834.2); c.641-6788G>C (NM_001330368.2); c.*39-6788G>C (NM_001351110.2); short protein forms P2015A.
Identifiers: ClinVar variation 2814786 (VCV002814786.3), dbSNP rs2136119293, ClinGen allele CA382549940.

ClinVar aggregate classification (germline): Uncertain significance (1 of 4 stars; one submission).

Conditions:
Ataxia-telangiectasia syndrome (AT). Also called: LOUIS-BAR SYNDROME; Cerebello-oculocutaneous telangiectasia; Immunodeficiency with ataxia telangiectasia; Ataxia telangiectasia (A-T); Ataxia-telangiectasia, complementation group D; AT, COMPLEMENTATION GROUP C. Identifiers: Orphanet 100, MedGen C0004135, MONDO:0008840, OMIM 208900.

Submission:

Labcorp Genetics (formerly Invitae), Labcorp
Classification: Uncertain significance for Ataxia-telangiectasia syndrome. Last evaluated: 2025-01-26. Review status: criteria provided, single submitter. Criteria: Invitae Variant Classification Sherloc (09022015). Collection method: clinical testing. Allele origin: germline.
Comment: This sequence change replaces proline, which is neutral and non-polar, with alanine, which is neutral and non-polar, at codon 2015 of the ATM protein (p.Pro2015Ala). This variant is not present in population databases (gnomAD no frequency). This variant has not been reported in the literature in individuals affected with ATM-related conditions. ClinVar contains an entry for this variant (Variation ID: 2814786). Invitae Evidence Modeling of protein sequence and biophysical properties (such as structural, functional, and spatial information, amino acid conservation, physicochemical variation, residue mobility, and thermodynamic stability) has been performed for this missense variant. However, the output from this modeling did not meet the statistical confidence thresholds required to predict the impact of this variant on ATM protein function. In summary, the available evidence is currently insufficient to determine the role of this variant in disease. Therefore, it has been classified as a Variant of Uncertain Significance.